The following is an entry in ClinVar:

ClinVar aggregate classification (germline): Likely pathogenic (1 of 4 stars; one submission).

Conditions:
Early-infantile DEE. Also called: Early infantile epileptic encephalopathy; Ohtahara syndrome; Early infantile epileptic encephalopathy with suppression bursts. Identifiers: Orphanet 1934, MedGen C0393706, MONDO:0800491.

Submission:

Labcorp Genetics (formerly Invitae), Labcorp
Classification: Likely pathogenic for Early-infantile DEE. Last evaluated: 2025-05-05. Review status: criteria provided, single submitter. Criteria: Invitae Variant Classification Sherloc (09022015). Collection method: clinical testing. Allele origin: germline.
Comment: This sequence change replaces alanine, which is neutral and non-polar, with threonine, which is neutral and polar, at codon 294 of the KCNQ2 protein (p.Ala294Thr). This variant is not present in population databases (gnomAD no frequency). This variant has not been reported in the literature in individuals affected with KCNQ2-related conditions. ClinVar contains an entry for this variant (Variation ID: 3637736). Invitae Evidence Modeling of protein sequence and biophysical properties (such as structural, functional, and spatial information, amino acid conservation, physicochemical variation, residue mobility, and thermodynamic stability) indicates that this missense variant is expected to disrupt KCNQ2 protein function with a positive predictive value of 95%. This variant disrupts the p.Ala294 amino acid residue in KCNQ2. Other variant(s) that disrupt this residue have been determined to be pathogenic (PMID: 23692823, 25052858, 25880994, 26007637, 27602407). This suggests that this residue is clinically significant, and that variants that disrupt this residue are likely to be disease-causing. In summary, the currently available evidence indicates that the variant is pathogenic, but additional data are needed to prove that conclusively. Therefore, this variant has been classified as Likely Pathogenic.

Literature cited by the submitters: PubMed 23692823; PubMed 25052858; PubMed 25880994; PubMed 26007637; PubMed 27602407.

NM_172107.4(KCNQ2):c.880G>A (p.Ala294Thr)

Gene: KCNQ2 (potassium voltage-gated channel subfamily Q member 2; minus strand). Cytogenetic location: 20q13.33.
Variant type: single nucleotide variant.
Coding change: c.880G>A on transcript NM_172107.4 (MANE Select); coding-DNA position 880, G replaced by A.
Protein change: p.Ala294Thr; replaces alanine 294 with threonine.
Molecular consequence: missense variant.
Genome position (GRCh38, 1-based): chr20:63,439,645, C>T on the plus strand (G>A on the coding strand, the complement: KCNQ2 is on the minus strand). VCF-style: chr20-63439645-C-T. GRCh37 (hg19) VCF-style: chr20-62070998-C-T.
Other names: c.880G>A, p.Ala294Thr (NM_001382235.1, NM_004518.6, NM_172106.3 and 2 more transcripts); short protein forms A294T.
Identifiers: ClinVar variation 3637736 (VCV003637736.2).
Genomic context (GRCh38, chr20:63,439,645, plus strand): 5'-CAGCTGGACTTACTGCAGGCAGCGCGAAGAAGGAGACACCGATGAGGGTGAAGGTTGCCG[C>T]AAGGAGCCTGCCGTTCCAGGTCTGGGGGTACTTGTCCCCGTAGCCAATGGTGGTCAGCGT-3'
Protein context (NP_742105.1, residues 284-304): YPQTWNGRLL[Ala294Thr]ATFTLIGVSF